The following is an entry in ClinVar:

NM_001148.6(ANK2):c.7824A>T (p.Lys2608Asn)

Genes: ANK2 (ankyrin 2; plus strand), LOC126807137 (CDK7 strongly-dependent group 2 enhancer GRCh37_chr4:114276560-114277759; plus strand). Cytogenetic location: 4q26.
Variant type: single nucleotide variant.
Coding change: c.7824A>T on transcript NM_001148.6 (MANE Select); coding-DNA position 7824, A replaced by T.
Protein change: p.Lys2608Asn; replaces lysine 2608 with asparagine.
Molecular consequence: missense variant. On other transcripts: intron variant (68).
Genome position (GRCh38, 1-based): chr4:113,356,442, A>T. VCF-style: chr4-113356442-A-T. GRCh37 (hg19) VCF-style: chr4-114277598-A-T.
Other names: c.7590A>T, p.Lys2530Asn (NM_001386142.1); c.4224A>T, p.Lys1408Asn (NM_001386166.1); c.7965A>T, p.Lys2655Asn (NM_001386174.1); c.7941A>T, p.Lys2647Asn (NM_001386175.1); c.4412-4381A>T (NM_001386186.2, NM_001386148.2); c.4214-4381A>T (NM_001354269.3); c.4292-4381A>T (NM_001386187.2); c.4253-4381A>T (NM_001386147.1); and 35 more; short protein forms K1408N, K2608N, K2655N, K2530N, K2647N.
Identifiers: ClinVar variation 3539727 (VCV003539727.1).

ClinVar aggregate classification (germline): Uncertain significance (1 of 4 stars; one submission).

Conditions:
Cardiovascular phenotype. Identifiers: MedGen CN230736.

gnomAD v4.1: 11 of 1,614,156 alleles (0.00068%); highest among the groups gnomAD compares: Non-Finnish European, 0.00093%; no homozygotes.

Submission:

Ambry Genetics
Classification: Uncertain significance for Cardiovascular phenotype. Last evaluated: 2024-09-24. Review status: criteria provided, single submitter. Criteria: Ambry Variant Classification Scheme 2023. Collection method: clinical testing. Allele origin: germline.
Comment: The p.K2608N variant (also known as c.7824A>T), located in coding exon 38 of the ANK2 gene, results from an A to T substitution at nucleotide position 7824. The lysine at codon 2608 is replaced by asparagine, an amino acid with similar properties. This amino acid position is conserved. In addition, this alteration is predicted to be tolerated by in silico analysis. Based on the available evidence, the clinical significance of this variant remains unclear.